The following is an entry in ClinVar:

ClinVar aggregate classification (germline): Uncertain significance (1 of 4 stars; one submission).

Allele frequency attached by ClinVar (database versions not stated): ExAC 0.00001; gnomAD 0.00001; gnomAD exomes 0.00001.
gnomAD v4.1: 12 of 1,614,020 alleles (0.00074%); highest among the groups gnomAD compares: Non-Finnish European, 0.00093%; no homozygotes.

Submission:

GeneDx
Classification: Uncertain significance. Last evaluated: 2021-04-07. Review status: criteria provided, single submitter. Criteria: GeneDx Variant Classification Process June 2021. Collection method: clinical testing. Allele origin: germline. Affected: yes.
Comment: Not observed at a significant frequency in large population cohorts (Lek et al., 2016); Nucleotide substitution has no predicted effect on splicing and is not conserved across species; Has not been previously published as pathogenic or benign to our knowledge

NM_145207.3(AFG2A):c.-2C>T

Gene: AFG2A (AFG2 AAA ATPase homolog A; plus strand). Cytogenetic location: 4q28.1.
Variant type: single nucleotide variant.
Coding change: c.-2C>T on transcript NM_145207.3 (MANE Select); 2 bases upstream of the start codon, C replaced by T.
Molecular consequence: 5 prime UTR variant.
Genome position (GRCh38, 1-based): chr4:122,923,141, C>T. VCF-style: chr4-122923141-C-T. GRCh37 (hg19) VCF-style: chr4-123844296-C-T.
Other names: c.-2C>T (NM_001317799.2, NM_001345856.2).
Identifiers: ClinVar variation 1182886 (VCV001182886.2), dbSNP rs760293432, ClinGen allele CA3070105.